The following is an entry in ClinVar:

NM_016616.5(NME8):c.567G>T (p.Lys189Asn)

Gene: NME8 (NME/NM23 family member 8; plus strand). Cytogenetic location: 7p14.1.
Variant type: single nucleotide variant.
Coding change: c.567G>T on transcript NM_016616.5 (MANE Select); coding-DNA position 567, G replaced by T.
Protein change: p.Lys189Asn; replaces lysine 189 with asparagine.
Molecular consequence: missense variant.
Genome position (GRCh38, 1-based): chr7:37,865,563, G>T. VCF-style: chr7-37865563-G-T. GRCh37 (hg19) VCF-style: chr7-37905165-G-T.
Other names: short protein forms K189N.
Identifiers: ClinVar variation 1952207 (VCV001952207.5), dbSNP rs201703314, ClinGen allele CA4222269.

ClinVar aggregate classification (germline): Uncertain significance (1 of 4 stars; one submission).

Conditions:
Primary ciliary dyskinesia 6. Also called: Primary Ciliary Dyskinesia 6: TXNDC3-Related Primary Ciliary Dyskinesia. Identifiers: Orphanet 244, MedGen C1970506, MONDO:0012571, OMIM 610852.

Allele frequency attached by ClinVar (database versions not stated): gnomAD 0.00001; gnomAD exomes 0.00001; TOPMed 0.00001; ExAC 0.00002; 1000 Genomes Project 0.00020; 1000 Genomes Project 30x 0.00031.
gnomAD v4.1: 12 of 1,613,378 alleles (0.00074%); highest among the groups gnomAD compares: Admixed American, 0.017%; no homozygotes.

Submission:

Labcorp Genetics (formerly Invitae), Labcorp
Classification: Uncertain significance for Primary ciliary dyskinesia 6. Last evaluated: 2025-08-27. Review status: criteria provided, single submitter. Criteria: Invitae Variant Classification Sherloc (09022015). Collection method: clinical testing. Allele origin: germline.
Comment: This sequence change replaces lysine, which is basic and polar, with asparagine, which is neutral and polar, at codon 189 of the NME8 protein (p.Lys189Asn). This variant is present in population databases (rs201703314, gnomAD 0.03%). This variant has not been reported in the literature in individuals affected with NME8-related conditions. ClinVar contains an entry for this variant (Variation ID: 1952207). Invitae Evidence Modeling of protein sequence and biophysical properties (such as structural, functional, and spatial information, amino acid conservation, physicochemical variation, residue mobility, and thermodynamic stability) indicates that this missense variant is not expected to disrupt NME8 protein function with a negative predictive value of 80%. In summary, the available evidence is currently insufficient to determine the role of this variant in disease. Therefore, it has been classified as a Variant of Uncertain Significance.